The following is an entry in ClinVar:

ClinVar aggregate classification (germline): Uncertain significance (1 of 4 stars; one submission).

Conditions:
Pitt-Hopkins-like syndrome 2 (PTHSL2). Identifiers: Orphanet 221150, Orphanet 600663, MedGen C3280479, MONDO:0013690, OMIM 614325.

Allele frequency attached by ClinVar (database versions not stated): gnomAD exomes below 0.00001.
gnomAD v4.1: 9 of 1,613,850 alleles (0.00056%); highest among the groups gnomAD compares: Non-Finnish European, 0.00076%; no homozygotes.

Submission:

Labcorp Genetics (formerly Invitae), Labcorp
Classification: Uncertain significance for Pitt-Hopkins-like syndrome 2. Last evaluated: 2021-08-05. Review status: criteria provided, single submitter. Criteria: Invitae Variant Classification Sherloc (09022015). Collection method: clinical testing. Allele origin: germline.
Comment: Algorithms developed to predict the effect of missense changes on protein structure and function are either unavailable or do not agree on the potential impact of this missense change (SIFT: "Deleterious"; PolyPhen-2: "Benign"; Align-GVGD: "Class C0"). This sequence change replaces proline with leucine at codon 1409 of the NRXN1 protein (p.Pro1409Leu). The proline residue is highly conserved and there is a moderate physicochemical difference between proline and leucine. This variant is not present in population databases (ExAC no frequency). This variant has not been reported in the literature in individuals affected with NRXN1-related conditions. In summary, the available evidence is currently insufficient to determine the role of this variant in disease. Therefore, it has been classified as a Variant of Uncertain Significance.

NM_001330078.2(NRXN1):c.4106C>T (p.Pro1369Leu)

Gene: NRXN1 (neurexin 1; minus strand). Cytogenetic location: 2p16.3.
Variant type: single nucleotide variant.
Coding change: c.4106C>T on transcript NM_001330078.2 (MANE Select); coding-DNA position 4106, C replaced by T.
Protein change: p.Pro1369Leu; replaces proline 1369 with leucine.
Molecular consequence: missense variant.
Genome position (GRCh38, 1-based): chr2:50,053,293, G>A on the plus strand (C>T on the coding strand, the complement: NRXN1 is on the minus strand). VCF-style: chr2-50053293-G-A. GRCh37 (hg19) VCF-style: chr2-50280431-G-A.
Other names: c.4226C>T, p.Pro1409Leu (NM_001135659.3); c.4082C>T, p.Pro1361Leu (NM_001330077.2, NM_001330082.2); c.3950C>T, p.Pro1317Leu (NM_001330083.2); c.4040C>T, p.Pro1347Leu (NM_001330084.2); c.4079C>T, p.Pro1360Leu (NM_001330085.2); c.4106C>T, p.Pro1369Leu (NM_001330086.2); c.3905C>T, p.Pro1302Leu (NM_001330087.2, NM_001330096.2); c.3935C>T, p.Pro1312Leu (NM_001330088.2); and 6 more; short protein forms P1312L, P1347L, P1360L, P334L, P1317L, P1339L, P1361L, P1365L.
Identifiers: ClinVar variation 1499944 (VCV001499944.6), dbSNP rs1293109274, ClinGen allele CA346819378.